The following is an entry in ClinVar:

ClinVar aggregate classification (germline): Uncertain significance (1 of 4 stars; one submission).

Submission:

GeneDx
Classification: Uncertain significance. Last evaluated: 2023-12-18. Review status: criteria provided, single submitter. Criteria: GeneDx Variant Classification Process June 2021. Collection method: clinical testing. Allele origin: germline. Affected: yes.
Comment: In-frame deletion of 2 amino acids in a non-repeat region; Not observed at significant frequency in large population cohorts (gnomAD); In silico analysis supports that this variant does not alter protein structure/function; Has not been previously published as pathogenic or benign to our knowledge

NM_003924.4(PHOX2B):c.206_211del (p.Thr69_Leu70del)

Genes: PHOX2B (paired like homeobox 2B; minus strand), PHOX2B-AS1 (PHOX2B antisense RNA 1; plus strand). Cytogenetic location: 4p13.
Variant type: Deletion.
Coding change: c.206_211del on transcript NM_003924.4 (MANE Select); coding-DNA positions 206 to 211, 6 bases deleted (CCCTCA; older notation c.206_211delCCCTCA).
Protein change: p.Thr69_Leu70del.
Molecular consequence: non-coding transcript variant (on NR_187403.1). On other transcripts: inframe indel (1).
Genome position (GRCh38, 1-based): chr4:41,748,400-41,748,405, TGAGGG deleted on the plus strand (CCCTCA on the coding strand, the reverse complement: PHOX2B is on the minus strand); deleting any 6 consecutive bases within chr4:41,748,400-41,748,407 gives the same sequence; the c. name uses the placement nearest the transcript's 3' end. VCF-style (leftmost placement, unchanged base first): chr4-41748399-CTGAGGG-C. GRCh37 (hg19) VCF-style: chr4-41750416-CTGAGGG-C.
Other names: c.204_209delCACCCT, p.Thr69_Leu70del (NM_003924.3).
Identifiers: ClinVar variation 3365823 (VCV003365823.1).
Genomic context (GRCh38, chr4:41,748,399, plus strand): 5'-TTCCTCCGCTGAGAAAGCTGAAGGTCCTTACCTGCGGCGTACGGACTGCTCTGGTGGTCC[CTGAGGG>C]TGCCCAGGCTGCAGGATCCCGGCGTGAGGGAAGGGCAGCCGGACGTGGCCCCAAAAGTGG-3'